The following is an entry in ClinVar:

NM_001080477.4(TENM3):c.7194C>T (p.Asp2398=)

Gene: TENM3 (teneurin transmembrane protein 3; plus strand). Cytogenetic location: 4q35.1.
Variant type: single nucleotide variant.
Coding change: c.7194C>T on transcript NM_001080477.4 (MANE Select); coding-DNA position 7194, C replaced by T.
Protein change: p.Asp2398=; no amino-acid change (aspartic acid 2398 retained).
Molecular consequence: synonymous variant.
Genome position (GRCh38, 1-based): chr4:182,793,866, C>T. VCF-style: chr4-182793866-C-T. GRCh37 (hg19) VCF-style: chr4-183715019-C-T.
Identifiers: ClinVar variation 674203 (VCV000674203.7), dbSNP rs61753392, ClinGen allele CA3148891.

ClinVar aggregate classification (germline): Benign. Review status: criteria provided, multiple submitters, no conflicts (2 of 4 stars). 3 submissions from 3 submitters: Benign (3). Last evaluated 2025-11-10.

Allele frequency attached by ClinVar (database versions not stated): gnomAD exomes 0.00449 and 0.01076; ExAC 0.01324; gnomAD 0.03054 and 0.03220; ESP Exome Variant Server 0.03233; TOPMed 0.03499; 1000 Genomes Project 0.03834; 1000 Genomes Project 30x 0.04013.
gnomAD v4.1: 11,509 of 1,608,464 alleles (0.72%); highest among the groups gnomAD compares: African/African-American, 10%; 439 homozygotes.

Submissions (3):

Labcorp Genetics (formerly Invitae), Labcorp
Classification: Benign. Last evaluated: 2025-11-10. Review status: criteria provided, single submitter. Criteria: Invitae Variant Classification Sherloc (09022015). Collection method: clinical testing. Allele origin: germline.

GeneDx
Classification: Benign. Last evaluated: 2018-06-19. Review status: criteria provided, single submitter. Criteria: GeneDx Variant Classification (06012015). Collection method: clinical testing. Allele origin: germline. Affected: yes.
Comment: This variant is considered likely benign or benign based on one or more of the following criteria: it is a conservative change, it occurs at a poorly conserved position in the protein, it is predicted to be benign by multiple in silico algorithms, and/or has population frequency not consistent with disease.

Breakthrough Genomics
Classification: Benign. Review status: criteria provided, single submitter. Criteria: ACMG Guidelines, 2015. Collection method: not provided. Allele origin: germline. Inheritance: Autosomal recessive inheritance. Affected: yes.